The following is an entry in ClinVar:

ClinVar aggregate classification (germline): Benign (1 of 4 stars; one submission).

Conditions:
Inherited prion disease. Identifiers: Orphanet 280400, MedGen C5679775, MONDO:0017234.

Allele frequency attached by ClinVar (database versions not stated): gnomAD 0.00441; TOPMed 0.00528; 1000 Genomes Project 30x 0.00531; 1000 Genomes Project 0.00579.

Submission:

Illumina Laboratory Services, Illumina
Classification: Benign for Genetic prion diseases. Last evaluated: 2018-01-12. Review status: criteria provided, single submitter. Criteria: ICSL Variant Classification Criteria 13 December 2019. Collection method: clinical testing. Allele origin: germline.
Comment: This variant was observed in the ICSL laboratory as part of a predisposition screen in an ostensibly healthy population. It had not been previously curated by ICSL or reported in the Human Gene Mutation Database (HGMD: prior to June 1st, 2018), and was therefore a candidate for classification through an automated scoring system. Utilizing variant allele frequency, disease prevalence and penetrance estimates, and inheritance mode, an automated score was calculated to assess if this variant is too frequent to cause the disease. Based on the score and internal cut-off values, a variant classified as benign is not then subjected to further curation. The score for this variant resulted in a classification of benign for this disease.

NM_000311.5(PRNP):c.-18C>T

Gene: PRNP (prion protein (Kanno blood group); plus strand). Cytogenetic location: 20p13.
Variant type: single nucleotide variant.
Coding change: c.-18C>T on transcript NM_000311.5 (MANE Select); 18 bases upstream of the start codon, C replaced by T.
Molecular consequence: 5 prime UTR variant.
Genome position (GRCh38, 1-based): chr20:4,686,505, C>T. VCF-style: chr20-4686505-C-T. GRCh37 (hg19) VCF-style: chr20-4667151-C-T.
Other names: c.-13C>T (NM_001080121.3); c.-9C>T (NM_001080122.3); c.-242C>T (NM_001080123.3); c.-103C>T (NM_001271561.3); c.-14C>T (NM_183079.4).
Identifiers: ClinVar variation 338644 (VCV000338644.5), dbSNP rs537449340, ClinGen allele CA10644031.